The following is an entry in ClinVar:

ClinVar aggregate classification (germline): Pathogenic. Review status: criteria provided, multiple submitters, no conflicts (2 of 4 stars). 2 submissions from 2 submitters: Pathogenic (2). Last evaluated 2024-04-29.

Conditions:
Hereditary breast ovarian cancer syndrome. Also called: BRCA1- and BRCA2-Associated Hereditary Breast and Ovarian Cancer; Hereditary breast and ovarian cancer syndrome (HBOC); Hereditary breast and ovarian cancer syndrome; Breast and ovarian cancer; Hereditary breast and/or ovarian cancer syndrome; Hereditary breast and ovarian cancer. Identifiers: Orphanet 145, MedGen C0677776, MeSH D061325, MONDO:0003582. Disease mechanism: loss of function.
Hereditary cancer-predisposing syndrome. Also called: Neoplastic Syndromes, Hereditary; Hereditary Cancer Syndrome; Hereditary neoplastic syndrome; Tumor predisposition. Identifiers: Orphanet 140162, MedGen C0027672, MeSH D009386, MONDO:0015356.

Submissions (2):

Labcorp Genetics (formerly Invitae), Labcorp
Classification: Pathogenic for Hereditary breast ovarian cancer syndrome. Last evaluated: 2024-04-29. Review status: criteria provided, single submitter. Criteria: Invitae Variant Classification Sherloc (09022015). Collection method: clinical testing. Allele origin: germline.
Comment: This sequence change creates a premature translational stop signal (p.Ser988*) in the BRCA1 gene. It is expected to result in an absent or disrupted protein product. Loss-of-function variants in BRCA1 are known to be pathogenic (PMID: 20104584). This variant is not present in population databases (gnomAD no frequency). This variant has not been reported in the literature in individuals affected with BRCA1-related conditions. ClinVar contains an entry for this variant (Variation ID: 2565331). For these reasons, this variant has been classified as Pathogenic.

Ambry Genetics
Classification: Pathogenic for Hereditary cancer-predisposing syndrome. Last evaluated: 2023-03-24. Review status: criteria provided, single submitter. Criteria: Ambry Variant Classification Scheme 2023. Collection method: clinical testing. Allele origin: germline.
Comment: The p.S988* pathogenic mutation (also known as c.2963C>G), located in coding exon 9 of the BRCA1 gene, results from a C to G substitution at nucleotide position 2963. This changes the amino acid from a serine to a stop codon within coding exon 9. This alteration is expected to result in loss of function by premature protein truncation or nonsense-mediated mRNA decay. As such, this alteration is interpreted as a disease-causing mutation.

Literature cited by the submitters: PubMed 20104584 (cited by Labcorp Genetics (formerly Invitae), Labcorp).

NM_007294.4(BRCA1):c.2963C>G (p.Ser988Ter)

Gene: BRCA1 (BRCA1 DNA repair associated; minus strand). Cytogenetic location: 17q21.31.
Variant type: single nucleotide variant.
Coding change: c.2963C>G on transcript NM_007294.4 (MANE Select); coding-DNA position 2963, C replaced by G.
Protein change: p.Ser988Ter; replaces serine 988 with a stop codon.
Molecular consequence: nonsense. On other transcripts: intron variant (137).
Genome position (GRCh38, 1-based): chr17:43,092,568, G>C on the plus strand (C>G on the coding strand, the complement: BRCA1 is on the minus strand). VCF-style: chr17-43092568-G-C. GRCh37 (hg19) VCF-style: chr17-41244585-G-C.
Other names: c.644-1536C>G (NM_001408470.1, NM_001408464.1, NM_001408468.1 and 3 more transcripts); c.665-1536C>G (NM_001408436.1, NM_001408444.1, NM_001408438.1 and 12 more transcripts); c.788-1536C>G (NM_001407980.1, NM_001407993.1, NM_001407976.1 and 17 more transcripts); c.647-1536C>G (NM_001408469.1, NM_001408453.1, NM_001408467.1 and 11 more transcripts); c.653-1536C>G (NM_001408451.1); c.524-1536C>G (NM_001408498.1, NM_001408501.1, NM_001408500.1 and 3 more transcripts); c.785-1536C>G (NM_001408397.1, NM_001408401.1, NM_001408396.1 and 13 more transcripts); c.2750C>G, p.Ser917Ter (NM_001407571.1, NM_001407853.1, NM_001407894.1 and 9 more transcripts); and 41 more; short protein forms S860*, S861*, S917*, S920*, S940*, S941*, S962*, S985*.
Identifiers: ClinVar variation 2565331 (VCV002565331.5), dbSNP rs397507206, ClinGen allele CA10596071.